The following is an entry in ClinVar:

ClinVar aggregate classification (germline): Likely benign (1 of 4 stars; one submission).

gnomAD v4.1: 2 of 1,614,026 alleles (0.00012%); highest among the groups gnomAD compares: Admixed American, 0.0017%; no homozygotes.

Submission:

CeGaT Center for Human Genetics Tuebingen
Classification: Likely benign. Last evaluated: 2025-05-01. Review status: criteria provided, single submitter. Criteria: CeGaT Center For Human Genetics Tuebingen Variant Classification Criteria Version 2. Collection method: clinical testing. Allele origin: germline. Affected: yes. Observed: 2 variant alleles.
Comment: CHD8: BP4, BP7

NM_001170629.2(CHD8):c.4275G>A (p.Glu1425=)

Gene: CHD8 (chromodomain helicase DNA binding protein 8; minus strand). Cytogenetic location: 14q11.2.
Variant type: single nucleotide variant.
Coding change: c.4275G>A on transcript NM_001170629.2 (MANE Select); coding-DNA position 4275, G replaced by A.
Protein change: p.Glu1425=; no amino-acid change (glutamic acid 1425 retained).
Molecular consequence: synonymous variant.
Genome position (GRCh38, 1-based): chr14:21,400,970, C>T on the plus strand (G>A on the coding strand, the complement: CHD8 is on the minus strand). VCF-style: chr14-21400970-C-T. GRCh37 (hg19) VCF-style: chr14-21869129-C-T.
Other names: c.3438G>A, p.Glu1146= (NM_020920.4).
Identifiers: ClinVar variation 3898501 (VCV003898501.7).